The following is an entry in ClinVar:

ClinVar aggregate classification (germline): Pathogenic/Likely pathogenic. Review status: criteria provided, multiple submitters, no conflicts (2 of 4 stars). 4 submissions from 4 submitters: Pathogenic (2); Likely pathogenic (2). Last evaluated 2025-09-30.

Conditions:
Mucopolysaccharidosis type 6 (MPS6). Also called: ARSB DEFICIENCY; ARYLSULFATASE B DEFICIENCY; MPS VI; N-ACETYLGALACTOSAMINE-4-SULFATASE DEFICIENCY; MPS 6; Maroteaux Lamy syndrome. Identifiers: Orphanet 583, MedGen C0026709, MONDO:0009661, OMIM 253200.

Submissions (4):

Natera, Inc.
Classification: Likely pathogenic for Mucopolysaccharidosis type VI. Last evaluated: 2025-09-30. Review status: criteria provided, single submitter. Criteria: Natera Variant Classification Schema (03/2026). Collection method: clinical testing. Allele origin: germline.
Comment: The c.123_139dupCAGCCGGCCGCCCCACC variant in ARSB is a frameshift variant predicted to shift the reading frame beginning at codon 47 and leads to a stop codon 15 codons downstream. This variant is expected to result in nonsense mediated decay, truncation, or a dysfunctional protein product. This variant is rare in the general population with a frequency below the threshold expected for the associated phenotype(s). Given the available evidence, this variant is classified as Likely Pathogenic.

Labcorp Genetics (formerly Invitae), Labcorp
Classification: Pathogenic for Mucopolysaccharidosis type 6. Last evaluated: 2024-07-30. Review status: criteria provided, single submitter. Criteria: Invitae Variant Classification Sherloc (09022015). Collection method: clinical testing. Allele origin: germline.
Comment: This sequence change creates a premature translational stop signal (p.Leu47Profs*15) in the ARSB gene. It is expected to result in an absent or disrupted protein product. Loss-of-function variants in ARSB are known to be pathogenic (PMID: 17458871, 22133300). This variant is not present in population databases (gnomAD no frequency). This variant has not been reported in the literature in individuals affected with ARSB-related conditions. ClinVar contains an entry for this variant (Variation ID: 453065). For these reasons, this variant has been classified as Pathogenic.

Baylor Genetics
Classification: Likely pathogenic for Mucopolysaccharidosis type 6. Last evaluated: 2021-12-03. Review status: criteria provided, single submitter. Criteria: ACMG Guidelines, 2015. Collection method: clinical testing. Allele origin: unknown.

GeneDx
Classification: Pathogenic. Last evaluated: 2017-10-26. Review status: criteria provided, single submitter. Criteria: GeneDx Variant Classification (06012015). Collection method: clinical testing. Allele origin: germline. Affected: yes.
Comment: The c.123_139dup17 variant in the ARSB gene has not been reported previously as a pathogenic variant nor as a benign variant, to our knowledge. The c.123_139dup17 variant causes a frameshift starting with codon Leucine 47, changes this amino acid to a Proline residue, and creates a premature Stop codon at position 15 of the new reading frame, denoted p.Leu47ProfsX15. This variant is predicted to cause loss of normal protein function either through protein truncation or nonsense-mediated mRNA decay. The c.123_139dup17 variant is not observed in large population cohorts (Lek et al., 2016). We interpret c.123_139dup17 as a pathogenic variant.

Literature cited by the submitters: PubMed 17458871 (cited by Labcorp Genetics (formerly Invitae), Labcorp); PubMed 22133300 (cited by Labcorp Genetics (formerly Invitae), Labcorp).

NM_000046.5(ARSB):c.123_139dup (p.Leu47fs)

Genes: ARSB (arylsulfatase B; minus strand), LOC129994126 (ATAC-STARR-seq lymphoblastoid silent region 16127; plus strand). Cytogenetic location: 5q14.1.
Variant type: Duplication.
Coding change: c.123_139dup on transcript NM_000046.5 (MANE Select); coding-DNA positions 123 to 139, 17 bases duplicated (CAGCCGGCCGCCCCACC).
Protein change: p.Leu47fs; shifts the reading frame from leucine 47.
Molecular consequence: frameshift variant.
Genome position (GRCh38, 1-based): chr5:78,985,110-78,985,126, GGTGGGGCGGCCGGCTG duplicated on the plus strand (CAGCCGGCCGCCCCACC on the coding strand, the reverse complement: ARSB is on the minus strand); duplicating any 17 consecutive bases within chr5:78,985,110-78,985,127 gives the same sequence; the c. name uses the placement nearest the transcript's 3' end. VCF-style (leftmost placement, unchanged base first): chr5-78985109-A-AGGTGGGGCGGCCGGCTG. GRCh37 (hg19) VCF-style: chr5-78280932-A-AGGTGGGGCGGCCGGCTG.
Other names: c.123_139dup, p.Leu47fs (NM_198709.3); c.123_139dupCAGCCGGCCGCCCCACC (NM_000046.4); short protein forms L47fs.
Identifiers: ClinVar variation 453065 (VCV000453065.10), dbSNP rs766772376, ClinGen allele CA3318352.